The following is an entry in ClinVar:

NM_201596.3(CACNB2):c.1517_1518delinsAT (p.Arg506His)

Gene: CACNB2 (calcium voltage-gated channel auxiliary subunit beta 2; plus strand). Cytogenetic location: 10p12.31.
Variant type: Indel.
Coding change: c.1517_1518delinsAT on transcript NM_201596.3 (MANE Select); coding-DNA positions 1517 to 1518, GC replaced by AT.
Protein change: p.Arg506His; replaces arginine 506 with histidine.
Molecular consequence: missense variant.
Genome position (GRCh38, 1-based): chr10:18,539,258-18,539,259, GC replaced by AT. VCF-style: chr10-18539258-GC-AT. GRCh37 (hg19) VCF-style: chr10-18828187-GC-AT.
Other names: c.1352_1353delinsAT, p.Arg451His (NM_000724.4); c.1319_1320delinsAT, p.Arg440His (NM_001167945.2); c.1238_1239delinsAT, p.Arg413His (NM_001330060.2); c.1373_1374delinsAT, p.Arg458His (NM_201570.3); c.1433_1434delinsAT, p.Arg478His (NM_201571.4); c.1361_1362delinsAT, p.Arg454His (NM_201572.4); c.1355_1356delinsAT, p.Arg452His (NM_201590.3); c.1403_1404delinsAT, p.Arg468His (NM_201593.3); and 1 more; short protein forms R452H, R468H, R451H, R478H, R482H, R506H, R413H, R440H.
Identifiers: ClinVar variation 1439218 (VCV001439218.8), dbSNP rs2133333288, ClinGen allele CA2573145009.
Genomic context (GRCh38, chr10:18,539,258, plus strand): 5'-GTTAACGCCTGGTGTGCTCCTTTCGCTGCCAGGGTTCTCAAGGTGATCAGAGGACTGATC[GC>AT]TCCGCTCCTATCCGTTCTGCTTCCCAAGCTGAAGAAGAACCTAGTGTGGAACCAGTCAAG-3'
Protein context (NP_963890.2, residues 496-516): QGSQGDQRTD[Arg506His]SAPIRSASQA

ClinVar aggregate classification (germline): Uncertain significance. Review status: criteria provided, multiple submitters, no conflicts (2 of 4 stars). 2 submissions from 2 submitters: Uncertain significance (2). Last evaluated 2023-10-26.

Conditions:
Cardiovascular phenotype. Identifiers: MedGen CN230736.
Brugada syndrome 4 (BRGDA4). Identifiers: Orphanet 130, MedGen C2678477, MONDO:0012743, OMIM 611876.

Submissions (2):

Ambry Genetics
Classification: Uncertain significance for Cardiovascular phenotype. Last evaluated: 2023-10-26. Review status: criteria provided, single submitter. Criteria: Ambry Variant Classification Scheme 2023. Collection method: clinical testing. Allele origin: germline.
Comment: The c.1355_1356delGCinsAT variant (also known as p.R452H), located in coding exon 13 of the CACNB2 gene, results from an in-frame deletion of GC and insertion of AT at nucleotide positions 1355 to 1356. This results in the substitution of the arginine residue for a histidine residue at codon 452, an amino acid with highly similar properties. This amino acid position is not well conserved in available vertebrate species, and histidine is the reference amino acid in other vertebrate species. In addition, this alteration is predicted to be neutral by in silico analysis (Choi Y et al. PLoS ONE. 2012; 7(10):e46688). The evidence for this gene-disease relationship is limited; therefore, the clinical significance of this alteration is unclear.

Labcorp Genetics (formerly Invitae), Labcorp
Classification: Uncertain significance for Brugada syndrome 4. Last evaluated: 2023-07-25. Review status: criteria provided, single submitter. Criteria: Invitae Variant Classification Sherloc (09022015). Collection method: clinical testing. Allele origin: germline.
Comment: This sequence change replaces arginine, which is basic and polar, with histidine, which is basic and polar, at codon 452 of the CACNB2 protein (p.Arg452His). Information on the frequency of this variant in the gnomAD database is not available, as this variant may be reported differently in the database. This variant has not been reported in the literature in individuals affected with CACNB2-related conditions. ClinVar contains an entry for this variant (Variation ID: 1439218). An algorithm developed to predict the effect of missense changes on protein structure and function (PolyPhen-2) suggests that this variant is likely to be tolerated. In summary, the available evidence is currently insufficient to determine the role of this variant in disease. Therefore, it has been classified as a Variant of Uncertain Significance.